The following is an entry in ClinVar:

NM_016824.5(ADD3):c.22G>A (p.Gly8Ser)

Gene: ADD3 (adducin 3; plus strand). Cytogenetic location: 10q25.2.
Variant type: single nucleotide variant.
Coding change: c.22G>A on transcript NM_016824.5 (MANE Select); coding-DNA position 22, G replaced by A.
Protein change: p.Gly8Ser; replaces glycine 8 with serine.
Molecular consequence: missense variant. On other transcripts: 5 prime UTR variant (1).
Genome position (GRCh38, 1-based): chr10:110,100,675, G>A. VCF-style: chr10-110100675-G-A. GRCh37 (hg19) VCF-style: chr10-111860433-G-A.
Other names: c.22G>A, p.Gly8Ser (NM_001121.4, NM_001320591.2, NM_001320592.2 and 2 more transcripts); c.-267G>A (NM_001320594.2); short protein forms G8S.
Identifiers: ClinVar variation 1509620 (VCV001509620.6), dbSNP rs1303925306, ClinGen allele CA378365649.

ClinVar aggregate classification (germline): Uncertain significance (1 of 4 stars; one submission).

Allele frequency attached by ClinVar (database versions not stated): gnomAD exomes below 0.00001 and 0.00002; gnomAD 0.00001; TOPMed 0.00002.

Submission:

Labcorp Genetics (formerly Invitae), Labcorp
Classification: Uncertain significance. Last evaluated: 2021-12-02. Review status: criteria provided, single submitter. Criteria: Invitae Variant Classification Sherloc (09022015). Collection method: clinical testing. Allele origin: germline.
Comment: This variant has not been reported in the literature in individuals affected with ADD3-related conditions. This variant is present in population databases (no rsID available, gnomAD 0.0009%). This sequence change replaces glycine with serine at codon 8 of the ADD3 protein (p.Gly8Ser). The glycine residue is weakly conserved and there is a small physicochemical difference between glycine and serine. Algorithms developed to predict the effect of missense changes on protein structure and function output the following: SIFT: "Not Available"; PolyPhen-2: "Benign"; Align-GVGD: "Not Available". The serine amino acid residue is found in multiple mammalian species, which suggests that this missense change does not adversely affect protein function. In summary, the available evidence is currently insufficient to determine the role of this variant in disease. Therefore, it has been classified as a Variant of Uncertain Significance.